The following is an entry in ClinVar:

ClinVar aggregate classification (germline): Uncertain significance (1 of 4 stars; one submission).

Conditions:
Hypertrophic cardiomyopathy. Also called: HYPERTROPHIC MYOCARDIOPATHY. Identifiers: Orphanet 217569, MedGen C0007194, MeSH D002312, MONDO:0005045, HP:0001639.

gnomAD v4.1: 1 of 1,589,384 alleles (0.000063%); highest among the groups gnomAD compares: East Asian, 0.0023%; no homozygotes.

Submission:

Labcorp Genetics (formerly Invitae), Labcorp
Classification: Uncertain significance for Hypertrophic cardiomyopathy. Last evaluated: 2024-09-12. Review status: criteria provided, single submitter. Criteria: Invitae Variant Classification Sherloc (09022015). Collection method: clinical testing. Allele origin: germline.
Comment: This sequence change replaces aspartic acid, which is acidic and polar, with glutamic acid, which is acidic and polar, at codon 587 of the MYBPC3 protein (p.Asp587Glu). This variant is not present in population databases (gnomAD no frequency). This variant has not been reported in the literature in individuals affected with MYBPC3-related conditions. An algorithm developed to predict the effect of missense changes on protein structure and function (PolyPhen-2) suggests that this variant is likely to be disruptive. In summary, the available evidence is currently insufficient to determine the role of this variant in disease. Therefore, it has been classified as a Variant of Uncertain Significance.

NM_000256.3(MYBPC3):c.1761C>G (p.Asp587Glu)

Gene: MYBPC3 (myosin binding protein C3; minus strand). Cytogenetic location: 11p11.2.
Variant type: single nucleotide variant.
Coding change: c.1761C>G on transcript NM_000256.3 (MANE Select); coding-DNA position 1761, C replaced by G.
Protein change: p.Asp587Glu; replaces aspartic acid 587 with glutamic acid.
Molecular consequence: missense variant.
Genome position (GRCh38, 1-based): chr11:47,342,020, G>C on the plus strand (C>G on the coding strand, the complement: MYBPC3 is on the minus strand). VCF-style: chr11-47342020-G-C. GRCh37 (hg19) VCF-style: chr11-47363571-G-C.
Other names: short protein forms D587E.
Identifiers: ClinVar variation 3711328 (VCV003711328.2).
Genomic context (GRCh38, chr11:47,342,020, plus strand): 5'-CCTGTCCCATCCACCTGCCCTGCACACTCACCGCCCGATGTGGGACACCTTTATGCGGCT[G>C]TCGGGCACCAGCTCCTTCCCATTCTTCAGCCACACACCCCGAACATTCTCATCTGAGACC-3'
Protein context (NP_000247.2, residues 577-597): WLKNGKELVP[Asp587Glu]SRIKVSHIGR